The following is an entry in ClinVar:

NM_001032382.2(PQBP1):c.338del (p.Gly113fs)

Gene: PQBP1 (polyglutamine binding protein 1; plus strand). Cytogenetic location: Xp11.23.
Variant type: Deletion.
Coding change: c.338del on transcript NM_001032382.2 (MANE Select); coding-DNA position 338, one base deleted (G; older notation c.338delG).
Protein change: p.Gly113fs; shifts the reading frame from glycine 113.
Molecular consequence: frameshift variant. On other transcripts: intron variant (3).
Genome position (GRCh38, 1-based): chrX:48,902,278, G deleted; the last of 4 consecutive G bases (chrX:48,902,275-48,902,278); deleting any one gives the same sequence. VCF-style (leftmost placement, unchanged base first): chrX-48902274-AG-A. GRCh37 (hg19) VCF-style: chrX-48759551-AG-A.
Other names: c.338del, p.Gly113fs (NM_001032381.2, NM_001032383.2, NM_001032384.1 and 2 more transcripts); c.314del, p.Gly105fs (NM_001167990.2); c.292+236del (NM_144495.3, NM_001437502.1); c.202-164del (NM_001167992.1); short protein forms G105fs, G113fs.
Identifiers: ClinVar variation 4855160 (VCV004855160.1).

ClinVar aggregate classification (germline): Likely pathogenic (1 of 4 stars; one submission).

Conditions:
Renpenning syndrome. Also called: Mental retardation, X-linked Renpenning type; X-linked mental retardation with spastic diplegia; X-linked mental retardation syndromic 3; Sutherland-Haan syndrome; GOLABI-ITO-HALL SYNDROME; MENTAL RETARDATION, X-LINKED 55. Identifiers: Orphanet 3242, MedGen C0796135, MONDO:0010653, OMIM 309500.

Submission:

3billion
Classification: Likely pathogenic for Renpenning syndrome. Last evaluated: 2025-08-04. Review status: criteria provided, single submitter. Criteria: ACMG Guidelines, 2015. Collection method: clinical testing. Allele origin: germline. Affected: yes.
Comment: The variant is not observed in the gnomAD v4.1.0 dataset. Predicted Consequence/Location: Frameshift: predicted to result in a loss or disruption of normal protein function through nonsense-mediated decay (NMD) or protein truncation. Multiple pathogenic variants are reported downstream of the variant. Therefore, this variant is classified as Likely pathogenic according to the recommendation of ACMG/AMP guideline.